The following is an entry in ClinVar:

NM_001114753.3(ENG):c.770C>T (p.Pro257Leu)

Gene: ENG (endoglin; minus strand). Cytogenetic location: 9q34.11.
Variant type: single nucleotide variant.
Coding change: c.770C>T on transcript NM_001114753.3 (MANE Select); coding-DNA position 770, C replaced by T.
Protein change: p.Pro257Leu; replaces proline 257 with leucine.
Molecular consequence: missense variant.
Genome position (GRCh38, 1-based): chr9:127,825,277, G>A on the plus strand (C>T on the coding strand, the complement: ENG is on the minus strand). VCF-style: chr9-127825277-G-A. GRCh37 (hg19) VCF-style: chr9-130587556-G-A.
Other names: c.770C>T (NM_001114753.1); c.770C>T, p.Pro257Leu (NM_000118.4, NM_001406715.1); c.224C>T, p.Pro75Leu (NM_001278138.2); short protein forms P257L, P75L.
Identifiers: ClinVar variation 1398489 (VCV001398489.16), dbSNP rs756252418, ClinGen allele CA5252987.

ClinVar aggregate classification (germline): Conflicting classifications of pathogenicity. Review status: criteria provided, conflicting classifications (1 of 4 stars). 3 submissions from 3 submitters: Uncertain significance (2); Likely benign (1). Last evaluated 2026-07-25.

Conditions:
Hereditary hemorrhagic telangiectasia (HHT). Also called: ORW DISEASE; Osler Weber Rendu syndrome; OSLER-RENDU-WEBER DISEASE; Osler hemorrhagic telangiectasia syndrome. Identifiers: Orphanet 774, MedGen C0039445, MONDO:0019180. Disease mechanism: loss of function.
Cardiovascular phenotype. Identifiers: MedGen CN230736.

Allele frequency attached by ClinVar (database versions not stated): ExAC 0.00001.

Submissions (3):

Ambry Genetics
Classification: Uncertain significance for Cardiovascular phenotype. Last evaluated: 2026-07-25. Review status: criteria provided, single submitter. Criteria: Ambry Variant Classification Scheme 2023. Collection method: clinical testing. Allele origin: germline.
Comment: The p.P257L variant (also known as c.770C>T), located in coding exon 6 of the ENG gene, results from a C to T substitution at nucleotide position 770. The proline at codon 257 is replaced by leucine, an amino acid with similar properties. This amino acid position is conserved. In addition, this alteration is predicted to be tolerated by in silico analysis. Based on the available evidence, the clinical significance of this variant remains unclear.

CeGaT Center for Human Genetics Tuebingen
Classification: Likely benign. Last evaluated: 2025-08-01. Review status: criteria provided, single submitter. Criteria: CeGaT Center For Human Genetics Tuebingen Variant Classification Criteria Version 2. Collection method: clinical testing. Allele origin: germline. Affected: yes. Observed: 1 variant allele.
Comment: ENG: BP4

Labcorp Genetics (formerly Invitae), Labcorp
Classification: Uncertain significance for Hereditary hemorrhagic telangiectasia. Last evaluated: 2024-09-15. Review status: criteria provided, single submitter. Criteria: Invitae Variant Classification Sherloc (09022015). Collection method: clinical testing. Allele origin: germline.
Comment: This sequence change replaces proline, which is neutral and non-polar, with leucine, which is neutral and non-polar, at codon 257 of the ENG protein (p.Pro257Leu). This variant is present in population databases (rs756252418, gnomAD 0.003%). This variant has not been reported in the literature in individuals affected with ENG-related conditions. ClinVar contains an entry for this variant (Variation ID: 1398489). Invitae Evidence Modeling of protein sequence and biophysical properties (such as structural, functional, and spatial information, amino acid conservation, physicochemical variation, residue mobility, and thermodynamic stability) has been performed for this missense variant. However, the output from this modeling did not meet the statistical confidence thresholds required to predict the impact of this variant on ENG protein function. In summary, the available evidence is currently insufficient to determine the role of this variant in disease. Therefore, it has been classified as a Variant of Uncertain Significance.